The following is an entry in ClinVar:

NM_018706.7(DHTKD1):c.2713G>C (p.Val905Leu)

Gene: DHTKD1 (dehydrogenase E1 and transketolase domain containing 1; plus strand). Cytogenetic location: 10p14.
Variant type: single nucleotide variant.
Coding change: c.2713G>C on transcript NM_018706.7 (MANE Select); coding-DNA position 2713, G replaced by C.
Protein change: p.Val905Leu; replaces valine 905 with leucine.
Molecular consequence: missense variant.
Genome position (GRCh38, 1-based): chr10:12,120,841, G>C. VCF-style: chr10-12120841-G-C. GRCh37 (hg19) VCF-style: chr10-12162840-G-C.
Other names: short protein forms V905L.
Identifiers: ClinVar variation 2913207 (VCV002913207.3), dbSNP rs1165213103, ClinGen allele CA376017837.

ClinVar aggregate classification (germline): Uncertain significance (1 of 4 stars; one submission).

Conditions:
2-aminoadipic 2-oxoadipic aciduria (AAKAD). Also called: Aminoadipic aciduria; ALPHA-AMINOADIPIC AND ALPHA-KETOADIPIC ACIDURIA. Identifiers: Orphanet 79154, MedGen C1859817, MONDO:0008774, OMIM 204750.

Allele frequency attached by ClinVar (database versions not stated): TOPMed below 0.00001; gnomAD 0.00001; gnomAD exomes 0.00001.
gnomAD v4.1: 4 of 1,613,996 alleles (0.00025%); highest among the groups gnomAD compares: Non-Finnish European, 0.00034%; no homozygotes.

Submission:

Labcorp Genetics (formerly Invitae), Labcorp
Classification: Uncertain significance for 2-aminoadipic 2-oxoadipic aciduria. Last evaluated: 2024-01-24. Review status: criteria provided, single submitter. Criteria: Invitae Variant Classification Sherloc (09022015). Collection method: clinical testing. Allele origin: germline.
Comment: This sequence change replaces valine, which is neutral and non-polar, with leucine, which is neutral and non-polar, at codon 905 of the DHTKD1 protein (p.Val905Leu). This variant is not present in population databases (gnomAD no frequency). This variant has not been reported in the literature in individuals affected with DHTKD1-related conditions. Advanced modeling of protein sequence and biophysical properties (such as structural, functional, and spatial information, amino acid conservation, physicochemical variation, residue mobility, and thermodynamic stability) performed at Invitae indicates that this missense variant is not expected to disrupt DHTKD1 protein function with a negative predictive value of 80%. In summary, the available evidence is currently insufficient to determine the role of this variant in disease. Therefore, it has been classified as a Variant of Uncertain Significance.